The following is an entry in ClinVar:

ClinVar aggregate classification (germline): Pathogenic (1 of 4 stars; one submission).

Conditions:
Primary pulmonary hypertension. Also called: Idiopathic pulmonary hypertension. Identifiers: MedGen C0152171.

Submission:

Labcorp Genetics (formerly Invitae), Labcorp
Classification: Pathogenic for Primary pulmonary hypertension. Last evaluated: 2025-08-10. Review status: criteria provided, single submitter. Criteria: Invitae Variant Classification Sherloc (09022015). Collection method: clinical testing. Allele origin: germline.
Comment: This sequence change creates a premature translational stop signal (p.Ile46*) in the BMPR2 gene. It is expected to result in an absent or disrupted protein product. Loss-of-function variants in BMPR2 are known to be pathogenic (PMID: 16429395). This variant is not present in population databases (gnomAD no frequency). This variant has not been reported in the literature in individuals affected with BMPR2-related conditions. For these reasons, this variant has been classified as Pathogenic.

Literature cited by the submitters: PubMed 16429395.

NM_001204.7(BMPR2):c.130del (p.Gly45_Ile46insTer)

Gene: BMPR2 (bone morphogenetic protein receptor type 2; plus strand). Cytogenetic location: 2q33.1.
Variant type: Deletion.
Coding change: c.130del on transcript NM_001204.7 (MANE Select); coding-DNA position 130, one base deleted (C; older notation c.130delC).
Protein change: p.Gly45_Ile46insTer.
Molecular consequence: frameshift variant.
Genome position (GRCh38, 1-based): chr2:202,464,862, C deleted; the last of 2 consecutive C bases (chr2:202,464,861-202,464,862); deleting either gives the same sequence. VCF-style (leftmost placement, unchanged base first): chr2-202464860-AC-A. GRCh37 (hg19) VCF-style: chr2-203329583-AC-A.
Identifiers: ClinVar variation 4725123 (VCV004725123.1).